The following is an entry in ClinVar:

ClinVar aggregate classification (germline): Benign/Likely benign. Review status: criteria provided, multiple submitters, no conflicts (2 of 4 stars). 6 submissions from 6 submitters: Benign (3); Likely benign (1). 2 of the submissions do not count toward it. Last evaluated 2026-02-03.

Conditions:
Cortical dysplasia-focal epilepsy syndrome (PTHSL1). Also called: Pitt-Hopkins-like syndrome 1. Identifiers: Orphanet 163681, Orphanet 221150, MedGen C2750246, MONDO:0012400, OMIM 610042.

Allele frequency attached by ClinVar (database versions not stated): gnomAD exomes 0.00430 and 0.01066; ExAC 0.01314; 1000 Genomes Project 0.03994; gnomAD 0.04109 and 0.04429; 1000 Genomes Project 30x 0.04185; ESP Exome Variant Server 0.04529; TOPMed 0.04610.
gnomAD v4.1: 12,751 of 1,614,100 alleles (0.79%); highest among the groups gnomAD compares: African/African-American, 15%; 832 homozygotes.

Submissions (6):

Labcorp Genetics (formerly Invitae), Labcorp
Classification: Benign for Cortical dysplasia-focal epilepsy syndrome. Last evaluated: 2026-02-03. Review status: criteria provided, single submitter. Criteria: Invitae Variant Classification Sherloc (09022015). Collection method: clinical testing. Allele origin: germline.

Illumina Laboratory Services, Illumina
Classification: Benign for Cortical dysplasia-focal epilepsy syndrome. Last evaluated: 2018-01-13. Review status: criteria provided, single submitter. Criteria: ICSL Variant Classification Criteria 13 December 2019. Collection method: clinical testing. Allele origin: germline.
Comment: This variant was observed in the ICSL laboratory as part of a predisposition screen in an ostensibly healthy population. It had not been previously curated by ICSL or reported in the Human Gene Mutation Database (HGMD: prior to June 1st, 2018), and was therefore a candidate for classification through an automated scoring system. Utilizing variant allele frequency, disease prevalence and penetrance estimates, and inheritance mode, an automated score was calculated to assess if this variant is too frequent to cause the disease. Based on the score and internal cut-off values, a variant classified as benign is not then subjected to further curation. The score for this variant resulted in a classification of benign for this disease.

GeneDx
Classification: Benign. Last evaluated: 2012-03-22. Review status: criteria provided, single submitter. Criteria: GeneDx Variant Classification (06012015). Collection method: clinical testing. Allele origin: germline. Affected: yes.
Comment: This variant is considered likely benign or benign based on one or more of the following criteria: it is a conservative change, it occurs at a poorly conserved position in the protein, it is predicted to be benign by multiple in silico algorithms, and/or has population frequency not consistent with disease.

Breakthrough Genomics
Classification: Likely benign. Review status: criteria provided, single submitter. Criteria: ACMG Guidelines, 2015. Collection method: not provided. Allele origin: germline. Inheritance: Autosomal recessive inheritance. Affected: yes.

Clinical Genetics DNA and cytogenetics Diagnostics Lab, Erasmus MC, Erasmus Medical Center
Classification: Benign. Review status: no assertion criteria provided. Collection method: clinical testing. Allele origin: germline. Affected: yes. Study: VKGL Data-share Consensus. Not counted in ClinVar's aggregate classification.

Genome Diagnostics Laboratory, University Medical Center Utrecht
Classification: Benign. Review status: no assertion criteria provided. Collection method: clinical testing. Allele origin: germline. Affected: yes. Study: VKGL Data-share Consensus. Not counted in ClinVar's aggregate classification.

NM_014141.6(CNTNAP2):c.2099-15T>C

Gene: CNTNAP2 (contactin associated protein 2; plus strand). Cytogenetic location: 7q35.
Variant type: single nucleotide variant.
Coding change: c.2099-15T>C on transcript NM_014141.6 (MANE Select); 15 bases into the intron before coding-DNA position 2099, T replaced by C.
Molecular consequence: intron variant.
Genome position (GRCh38, 1-based): chr7:147,903,550, T>C. VCF-style: chr7-147903550-T-C. GRCh37 (hg19) VCF-style: chr7-147600642-T-C.
Identifiers: ClinVar variation 136816 (VCV000136816.16), dbSNP rs75858942, ClinGen allele CA290173.